The following is an entry in ClinVar:

ClinVar aggregate classification (germline): Conflicting classifications of pathogenicity. Review status: criteria provided, conflicting classifications (1 of 4 stars). 3 submissions from 3 submitters: Uncertain significance (2); Likely benign (1). Last evaluated 2026-02-12.

Conditions:
Familial thoracic aortic aneurysm and aortic dissection (TAAD). Also called: Thoracic aortic aneurysms and dissections. Identifiers: Orphanet 91387, MedGen C4707243, MONDO:0019625.
Congenital contractural arachnodactyly (CCA). Also called: BEALS SYNDROME; Beals-Hecht syndrome; Arthrogryposis, distal, type 9. Identifiers: Orphanet 115, MedGen C0220668, MONDO:0007363, OMIM 121050.

Allele frequency attached by ClinVar (database versions not stated): gnomAD 0.00003; TOPMed 0.00003; ExAC 0.00007; gnomAD exomes 0.00007; ESP Exome Variant Server 0.00008.
gnomAD v4.1: 101 of 1,614,068 alleles (0.0063%); highest among the groups gnomAD compares: Middle Eastern, 0.016%; no homozygotes.

Submissions (3):

GeneDx
Classification: Uncertain significance. Last evaluated: 2026-02-12. Review status: criteria provided, single submitter. Criteria: GeneDx Variant Classification Process June 2021. Collection method: clinical testing. Allele origin: germline.
Comment: In silico analysis supports that this missense variant has a deleterious effect on protein structure/function; Has not been previously published as pathogenic or benign to our knowledge

Ambry Genetics
Classification: Uncertain significance for Familial thoracic aortic aneurysm and aortic dissection. Last evaluated: 2025-01-03. Review status: criteria provided, single submitter. Criteria: Ambry Variant Classification Scheme 2023. Collection method: clinical testing. Allele origin: germline.
Comment: The p.G2769S variant (also known as c.8305G>A), located in coding exon 64 of the FBN2 gene, results from a G to A substitution at nucleotide position 8305. The glycine at codon 2769 is replaced by serine, an amino acid with similar properties. This amino acid position is highly conserved in available vertebrate species. In addition, this alteration is predicted to be deleterious by in silico analysis. Since supporting evidence is limited at this time, the clinical significance of this alteration remains unclear.

Labcorp Genetics (formerly Invitae), Labcorp
Classification: Likely benign for Congenital contractural arachnodactyly. Last evaluated: 2023-12-01. Review status: criteria provided, single submitter. Criteria: Invitae Variant Classification Sherloc (09022015). Collection method: clinical testing. Allele origin: germline.

NM_001999.4(FBN2):c.8305G>A (p.Gly2769Ser)

Gene: FBN2 (fibrillin 2; minus strand). Cytogenetic location: 5q23.3.
Variant type: single nucleotide variant.
Coding change: c.8305G>A on transcript NM_001999.4 (MANE Select); coding-DNA position 8305, G replaced by A.
Protein change: p.Gly2769Ser; replaces glycine 2769 with serine.
Molecular consequence: missense variant.
Genome position (GRCh38, 1-based): chr5:128,261,795, C>T on the plus strand (G>A on the coding strand, the complement: FBN2 is on the minus strand). VCF-style: chr5-128261795-C-T. GRCh37 (hg19) VCF-style: chr5-127597487-C-T.
Other names: short protein forms G2769S.
Identifiers: ClinVar variation 643395 (VCV000643395.11), dbSNP rs372206279, ClinGen allele CA3393856.